The following is an entry in ClinVar:

NM_001377.3(DYNC2H1):c.2635G>A (p.Val879Ile)

Gene: DYNC2H1 (dynein cytoplasmic 2 heavy chain 1; plus strand). Cytogenetic location: 11q22.3.
Variant type: single nucleotide variant.
Coding change: c.2635G>A on transcript NM_001377.3 (MANE Select); coding-DNA position 2635, G replaced by A.
Protein change: p.Val879Ile; replaces valine 879 with isoleucine.
Molecular consequence: missense variant.
Genome position (GRCh38, 1-based): chr11:103,143,328, G>A. VCF-style: chr11-103143328-G-A. GRCh37 (hg19) VCF-style: chr11-103014057-G-A.
Other names: c.2635G>A (NM_001080463.1); c.2635G>A, p.Val879Ile (NM_001080463.2); short protein forms V879I.
Identifiers: ClinVar variation 2065273 (VCV002065273.4), dbSNP rs772950964, ClinGen allele CA6253100.

ClinVar aggregate classification (germline): Uncertain significance. Review status: criteria provided, multiple submitters, no conflicts (2 of 4 stars). 2 submissions from 2 submitters: Uncertain significance (2). Last evaluated 2025-05-19.

Conditions:
Jeune thoracic dystrophy. Also called: Infantile thoracic dystrophy; Thoracic pelvic phalangeal dystrophy; Jeune's syndrome; Chondroectodermal dysplasia-like syndrome; Short-rib thoracic dysplasia; Jeune syndrome. Identifiers: Orphanet 474, MedGen C0265275, MONDO:0018770.
Inborn genetic diseases. Identifiers: MedGen C0950123, MeSH D030342.

gnomAD v4.1: 4 of 1,613,308 alleles (0.00025%); highest among the groups gnomAD compares: Admixed American, 0.0067%; no homozygotes.

Submissions (2):

Ambry Genetics
Classification: Uncertain significance for Inborn genetic diseases. Last evaluated: 2025-05-19. Review status: criteria provided, single submitter. Criteria: Ambry Variant Classification Scheme 2023. Collection method: clinical testing. Allele origin: germline.

Labcorp Genetics (formerly Invitae), Labcorp
Classification: Uncertain significance for Jeune thoracic dystrophy. Last evaluated: 2024-10-16. Review status: criteria provided, single submitter. Criteria: Invitae Variant Classification Sherloc (09022015). Collection method: clinical testing. Allele origin: germline.
Comment: This sequence change replaces valine, which is neutral and non-polar, with isoleucine, which is neutral and non-polar, at codon 879 of the DYNC2H1 protein (p.Val879Ile). This variant is present in population databases (rs772950964, gnomAD 0.003%). This variant has not been reported in the literature in individuals affected with DYNC2H1-related conditions. ClinVar contains an entry for this variant (Variation ID: 2065273). Invitae Evidence Modeling of protein sequence and biophysical properties (such as structural, functional, and spatial information, amino acid conservation, physicochemical variation, residue mobility, and thermodynamic stability) indicates that this missense variant is not expected to disrupt DYNC2H1 protein function with a negative predictive value of 95%. In summary, the available evidence is currently insufficient to determine the role of this variant in disease. Therefore, it has been classified as a Variant of Uncertain Significance.